The following is an entry in ClinVar:

ClinVar aggregate classification (germline): Uncertain significance (1 of 4 stars; one submission).

Conditions:
Cardiovascular phenotype. Identifiers: MedGen CN230736.

Submission:

Ambry Genetics
Classification: Uncertain significance for Cardiovascular phenotype. Last evaluated: 2026-01-24. Review status: criteria provided, single submitter. Criteria: Ambry Variant Classification Scheme 2023. Collection method: clinical testing. Allele origin: germline.
Comment: The p.D343E variant (also known as c.1029C>A), located in coding exon 7 of the PCSK9 gene, results from a C to A substitution at nucleotide position 1029. The aspartic acid at codon 343 is replaced by glutamic acid, an amino acid with highly similar properties. This amino acid position is conserved. In addition, the in silico prediction for this alteration is inconclusive. Based on the available evidence, the clinical significance of this variant remains unclear.

NM_174936.4(PCSK9):c.1029C>A (p.Asp343Glu)

Gene: PCSK9 (proprotein convertase subtilisin/kexin type 9; plus strand). Cytogenetic location: 1p32.3.
Variant type: single nucleotide variant.
Coding change: c.1029C>A on transcript NM_174936.4 (MANE Select); coding-DNA position 1029, C replaced by A.
Protein change: p.Asp343Glu; replaces aspartic acid 343 with glutamic acid.
Molecular consequence: missense variant. On other transcripts: non-coding transcript variant (7).
Genome position (GRCh38, 1-based): chr1:55,057,363, C>A. VCF-style: chr1-55057363-C-A. GRCh37 (hg19) VCF-style: chr1-55523036-C-A.
Other names: c.1152C>A, p.Asp384Glu (NM_001407240.1); c.1029C>A, p.Asp343Glu (NM_001407241.1, NM_001407244.1, NM_001407247.1); c.1032C>A, p.Asp344Glu (NM_001407242.1); c.972C>A, p.Asp324Glu (NM_001407243.1); c.837C>A, p.Asp279Glu (NM_001407245.1); c.654C>A, p.Asp218Glu (NM_001407246.1); short protein forms D218E, D279E, D324E, D343E, D344E, D384E.
Identifiers: ClinVar variation 4825634 (VCV004825634.1).